The following is an entry in ClinVar:

ClinVar aggregate classification (germline): Uncertain significance (1 of 4 stars; one submission).

Conditions:
Inborn genetic diseases. Identifiers: MedGen C0950123, MeSH D030342.

Submission:

Ambry Genetics
Classification: Uncertain significance for Inborn genetic diseases. Last evaluated: 2025-02-03. Review status: criteria provided, single submitter. Criteria: Ambry Variant Classification Scheme 2023. Collection method: clinical testing. Allele origin: germline.
Comment: The p.T1278S variant (also known as c.3833C>G), located in coding exon 39 of the FANCA gene, results from a C to G substitution at nucleotide position 3833. The threonine at codon 1278 is replaced by serine, an amino acid with similar properties. This amino acid position is conserved. In addition, this alteration is predicted to be tolerated by in silico analysis. Based on the available evidence, the clinical significance of this variant remains unclear.

NM_000135.4(FANCA):c.3833C>G (p.Thr1278Ser)

Genes: FANCA (FA complementation group A; minus strand), ZNF276 (zinc finger protein 276; plus strand). Cytogenetic location: 16q24.3.
Variant type: single nucleotide variant.
Coding change: c.3833C>G on transcript NM_000135.4 (MANE Select); coding-DNA position 3833, C replaced by G.
Protein change: p.Thr1278Ser; replaces threonine 1278 with serine.
Molecular consequence: missense variant. On other transcripts: 3 prime UTR variant (2), non-coding transcript variant (4).
Genome position (GRCh38, 1-based): chr16:89,740,095, G>C on the plus strand (C>G on the coding strand, the complement: FANCA is on the minus strand). VCF-style: chr16-89740095-G-C. GRCh37 (hg19) VCF-style: chr16-89806503-G-C.
Other names: c.3833C>G, p.Thr1278Ser (NM_001286167.3); c.*1849G>C (NM_001113525.2, NM_152287.4); short protein forms T1278S.
Identifiers: ClinVar variation 3848182 (VCV003848182.1).